The following is an entry in ClinVar:

ClinVar aggregate classification (germline): Pathogenic (1 of 4 stars; one submission).

Conditions:
Glucose-6-phosphate transport defect (GSD1B). Also called: Glycogen Storage Disease Type Ib; GSD Ib. Identifiers: Orphanet 364, Orphanet 79259, MedGen C0268146, MONDO:0009288, OMIM 232220.

Submission:

Labcorp Genetics (formerly Invitae), Labcorp
Classification: Pathogenic for Glucose-6-phosphate transport defect. Last evaluated: 2022-02-04. Review status: criteria provided, single submitter. Criteria: Invitae Variant Classification Sherloc (09022015). Collection method: clinical testing. Allele origin: germline.
Comment: For these reasons, this variant has been classified as Pathogenic. This variant has not been reported in the literature in individuals affected with SLC37A4-related conditions. This variant is not present in population databases (gnomAD no frequency). This sequence change creates a premature translational stop signal (p.Asn198Thrfs*14) in the SLC37A4 gene. It is expected to result in an absent or disrupted protein product. Loss-of-function variants in SLC37A4 are known to be pathogenic (PMID: 9758626, 10940311).

Literature cited by the submitters: PubMed 9758626; PubMed 10940311.

NM_001164277.2(SLC37A4):c.593del (p.Asn198fs)

Gene: SLC37A4 (solute carrier family 37 member 4; minus strand). Cytogenetic location: 11q23.3.
Variant type: Deletion.
Coding change: c.593del on transcript NM_001164277.2 (MANE Select); coding-DNA position 593, one base deleted (A; older notation c.593delA).
Protein change: p.Asn198fs; shifts the reading frame from asparagine 198.
Molecular consequence: frameshift variant.
Genome position (GRCh38, 1-based): chr11:119,027,660, T deleted on the plus strand (A on the coding strand, the reverse complement: SLC37A4 is on the minus strand); the first of 2 consecutive T bases (chr11:119,027,660-119,027,661); deleting either gives the same sequence. VCF-style (leftmost placement, unchanged base first): chr11-119027659-GT-G. GRCh37 (hg19) VCF-style: chr11-118898369-GT-G.
Other names: c.593del, p.Asn198fs (NM_001164278.2, NM_001164280.2, NM_001467.6); c.374del, p.Asn125fs (NM_001164279.2); short protein forms N125fs, N198fs.
Identifiers: ClinVar variation 2073022 (VCV002073022.4), dbSNP rs2497027852, ClinGen allele CA2580083601.